The following is an entry in ClinVar:

NM_025114.4(CEP290):c.7394_7397dup (p.Phe2466fs)

Genes: CEP290 (centrosomal protein 290; minus strand), RLIG1 (RNA 5'-phosphate and 3'-OH ligase 1; plus strand). Cytogenetic location: 12q21.32.
Variant type: Duplication.
Coding change: c.7394_7397dup on transcript NM_025114.4 (MANE Select); coding-DNA positions 7394 to 7397, 4 bases duplicated (AGTT; older notation c.7394_7397dupAGTT).
Protein change: p.Phe2466fs; shifts the reading frame from phenylalanine 2466.
Molecular consequence: frameshift variant. On other transcripts: 3 prime UTR variant (1).
Genome position (GRCh38, 1-based): chr12:88,049,227-88,049,230, AACT duplicated on the plus strand (AGTT on the coding strand, the reverse complement: CEP290 is on the minus strand). VCF-style (leftmost placement, unchanged base first): chr12-88049226-A-AAACT. GRCh37 (hg19) VCF-style: chr12-88443003-A-AAACT.
Other names: NM_025114.4(CEP290):c.7394_7397dup; p.Phe2466fs; c.*805_*808dup (NM_001009894.3); short protein forms F2466fs.
Identifiers: ClinVar variation 2023655 (VCV002023655.5), dbSNP rs2499336333, ClinGen allele CA2580086697.

ClinVar aggregate classification (germline): Uncertain significance. Review status: reviewed by expert panel (3 of 4 stars). 2 submissions from 2 submitters: Uncertain significance (1). 1 of the submissions does not count toward it. Last evaluated 2026-07-20.

Conditions:
Joubert syndrome. Also called: JOUBERT-BOLTSHAUSER SYNDROME; Familial aplasia of the vermis. Identifiers: Orphanet 475, MedGen C5979921, MONDO:0018772.
Nephronophthisis. Also called: Juvenile Nephronophthisis. Identifiers: Orphanet 655, MedGen C0687120, MONDO:0019005, HP:0000090.
Meckel-Gruber syndrome. Also called: DYSENCEPHALIA SPLANCHNOCYSTICA; GRUBER SYNDROME; Dysencephalia splachnocystica. Identifiers: Orphanet 564, MedGen C0265215, MONDO:0018921.
CEP290-related ciliopathy. Also called: CEP290 ciliopathy. Identifiers: MedGen CN305601, MONDO:0100451.

Submissions (2):

ClinGen Leber Congenital Amaurosis/early Onset Retinal Dystrophy Variant Curation Expert Panel, ClinGen
Classification: Uncertain significance for CEP290-related ciliopathy. Last evaluated: 2026-07-20. Review status: reviewed by expert panel. Criteria: ClinGen LCAeoRD ACMG Specifications CEP290 V1.0.0. Collection method: curation. Allele origin: germline. Inheritance: Autosomal recessive inheritance.
Comment: NM_025114.4(CEP290):c.7394_7397dup (p.Phe2466Leufs*3) is a frameshift variant that introduces a premature stop codon within exon 54 of 54 of CEP290 that is predicted not to trigger nonsense-mediated decay but rather to C-terminally truncate part of the protein product that has not yet been functionally characterized (PVS1_Moderate). This variant is absent from gnomAD v4.1.1 (PM2_Supporting). This variant has been reported in ClinVar in at least 1 individual in an unspecified state of zygosity, however, it is not clear whether the patient was affected, so PM3_Supporting was not met (ClinVar Accession #: SCV003229344.4). In summary, this variant meets the criteria to be classified as a Variant of Uncertain Significance for CEP290-related retinopathy based on the ACMG/AMP criteria applied, as specified by the ClinGen LCA/eoRD VCEP: PVS1_Moderate, PM2_supporting. (LCA/eoRD VCEP Specifications for CEP290 Version 1.0.0)

Labcorp Genetics (formerly Invitae), Labcorp
Classification: Uncertain significance for Joubert syndrome; Meckel-Gruber syndrome; Nephronophthisis. Last evaluated: 2024-12-02. Review status: criteria provided, single submitter. Criteria: Invitae Variant Classification Sherloc (09022015). Collection method: clinical testing. Allele origin: germline. Not counted in ClinVar's aggregate classification.
Comment: This sequence change creates a premature translational stop signal (p.Phe2466Leufs*3) in the CEP290 gene. While this is not anticipated to result in nonsense mediated decay, it is expected to disrupt the last 14 amino acid(s) of the CEP290 protein. This variant is not present in population databases (gnomAD no frequency). This variant has not been reported in the literature in individuals affected with CEP290-related conditions. ClinVar contains an entry for this variant (Variation ID: 2023655). Experimental studies and prediction algorithms are not available or were not evaluated, and the functional significance of this variant is currently unknown. In summary, the available evidence is currently insufficient to determine the role of this variant in disease. Therefore, it has been classified as a Variant of Uncertain Significance.